The following is an entry in ClinVar:

ClinVar aggregate classification (germline): Likely benign. Review status: criteria provided, multiple submitters, no conflicts (2 of 4 stars). 2 submissions from 2 submitters: Likely benign (2). Last evaluated 2022-03-01.

Conditions:
Cardiovascular phenotype. Identifiers: MedGen CN230736.

Allele frequency attached by ClinVar (database versions not stated): gnomAD exomes below 0.00001.
gnomAD v4.1: 1 of 1,609,334 alleles (0.000062%); highest among the groups gnomAD compares: South Asian, 0.0011%; no homozygotes.

Submissions (2):

CeGaT Center for Human Genetics Tuebingen
Classification: Likely benign. Last evaluated: 2022-03-01. Review status: criteria provided, single submitter. Criteria: CeGaT Center For Human Genetics Tuebingen Variant Classification Criteria Version 2. Collection method: clinical testing. Allele origin: germline. Affected: yes. Observed: 1 variant allele.
Comment: PRDM5: BP4, BP7

Ambry Genetics
Classification: Likely benign for Cardiovascular phenotype. Last evaluated: 2021-04-07. Review status: criteria provided, single submitter. Criteria: Ambry Variant Classification Scheme 2023. Collection method: clinical testing. Allele origin: germline.

NM_018699.4(PRDM5):c.21G>A (p.Pro7=)

Gene: PRDM5 (PR/SET domain 5; minus strand). Cytogenetic location: 4q27.
Variant type: single nucleotide variant.
Coding change: c.21G>A on transcript NM_018699.4 (MANE Select); coding-DNA position 21, G replaced by A.
Protein change: p.Pro7=; no amino-acid change (proline 7 retained).
Molecular consequence: synonymous variant.
Genome position (GRCh38, 1-based): chr4:120,922,588, C>T on the plus strand (G>A on the coding strand, the complement: PRDM5 is on the minus strand). VCF-style: chr4-120922588-C-T. GRCh37 (hg19) VCF-style: chr4-121843743-C-T.
Other names: c.21G>A, p.Pro7= (NM_001300823.2, NM_001300824.2, NM_001379104.1 and 1 more transcripts).
Identifiers: ClinVar variation 1787602 (VCV001787602.26), dbSNP rs1256065327, ClinGen allele CA441084092.
Genomic context (GRCh38, chr4:120,922,588, plus strand): 5'-GCGGGCCGTGTAGAGCCCCATGCCGTCCTGAACCCGGGAGGACTTCAGGGAGAACCTGTC[C>T]GGCACGTACATGCCCAGCATTTTCCCGGGCGCGGCGGCCGCCGCCTCTCTCAACACCGGC-3'
Protein context (NP_061169.2, residues 1-17): MLGMYV[Pro7=]DRFSLKSSRV